The following is an entry in ClinVar:

NM_004304.5(ALK):c.2434C>G (p.His812Asp)

Gene: ALK (ALK receptor tyrosine kinase; minus strand). Cytogenetic location: 2p23.2.
Variant type: single nucleotide variant.
Coding change: c.2434C>G on transcript NM_004304.5 (MANE Select); coding-DNA position 2434, C replaced by G.
Protein change: p.His812Asp; replaces histidine 812 with aspartic acid.
Molecular consequence: missense variant.
Genome position (GRCh38, 1-based): chr2:29,233,618, G>C on the plus strand (C>G on the coding strand, the complement: ALK is on the minus strand). VCF-style: chr2-29233618-G-C. GRCh37 (hg19) VCF-style: chr2-29456484-G-C.
Other names: short protein forms H812D.
Identifiers: ClinVar variation 852416 (VCV000852416.12), dbSNP rs1404474970, ClinGen allele CA346472239.

ClinVar aggregate classification (germline): Uncertain significance. Review status: criteria provided, multiple submitters, no conflicts (2 of 4 stars). 2 submissions from 2 submitters: Uncertain significance (2). Last evaluated 2025-10-28.

Conditions:
Neuroblastoma, susceptibility to, 3. Also called: ALK-Related Neuroblastic Tumor Susceptibility. Identifiers: Orphanet 635, MedGen C2751681, MONDO:0013083, OMIM 613014.
Hereditary cancer-predisposing syndrome. Also called: Neoplastic Syndromes, Hereditary; Hereditary Cancer Syndrome; Hereditary neoplastic syndrome; Tumor predisposition. Identifiers: Orphanet 140162, MedGen C0027672, MeSH D009386, MONDO:0015356.

Allele frequency attached by ClinVar (database versions not stated): gnomAD exomes below 0.00001.

Submissions (2):

Labcorp Genetics (formerly Invitae), Labcorp
Classification: Uncertain significance for Neuroblastoma, susceptibility to, 3. Last evaluated: 2025-10-28. Review status: criteria provided, single submitter. Criteria: Invitae Variant Classification Sherloc (09022015). Collection method: clinical testing. Allele origin: germline.
Comment: This sequence change replaces histidine, which is basic and polar, with aspartic acid, which is acidic and polar, at codon 812 of the ALK protein (p.His812Asp). This variant is present in population databases (no rsID available, gnomAD 0.0009%). This variant has not been reported in the literature in individuals affected with ALK-related conditions. ClinVar contains an entry for this variant (Variation ID: 852416). An algorithm developed to predict the effect of missense changes on protein structure and function (PolyPhen-2) suggests that this variant is likely to be tolerated. In summary, the available evidence is currently insufficient to determine the role of this variant in disease. Therefore, it has been classified as a Variant of Uncertain Significance.

Ambry Genetics
Classification: Uncertain significance for Hereditary cancer-predisposing syndrome. Last evaluated: 2022-06-09. Review status: criteria provided, single submitter. Criteria: Ambry Variant Classification Scheme 2023. Collection method: clinical testing. Allele origin: germline.
Comment: The p.H812D variant (also known as c.2434C>G), located in coding exon 14 of the ALK gene, results from a C to G substitution at nucleotide position 2434. The histidine at codon 812 is replaced by aspartic acid, an amino acid with similar properties. This amino acid position is conserved. In addition, this alteration is predicted to be tolerated by in silico analysis. Since supporting evidence is limited at this time, the clinical significance of this alteration remains unclear.